The following is an entry in ClinVar:

NM_020778.5(ALPK3):c.2077C>G (p.Gln693Glu)

Gene: ALPK3 (alpha kinase 3; plus strand). Cytogenetic location: 15q25.3.
Variant type: single nucleotide variant.
Coding change: c.2077C>G on transcript NM_020778.5 (MANE Select); coding-DNA position 2077, C replaced by G.
Protein change: p.Gln693Glu; replaces glutamine 693 with glutamic acid.
Molecular consequence: missense variant.
Genome position (GRCh38, 1-based): chr15:84,856,815, C>G. VCF-style: chr15-84856815-C-G. GRCh37 (hg19) VCF-style: chr15-85400046-C-G.
Other names: short protein forms Q693E.
Identifiers: ClinVar variation 2188122 (VCV002188122.3), dbSNP rs1187290026, ClinGen allele CA393355830.

ClinVar aggregate classification (germline): Uncertain significance (1 of 4 stars; one submission).

gnomAD v4.1: 2 of 1,613,990 alleles (0.00012%); highest among the groups gnomAD compares: Non-Finnish European, 0.000085%; no homozygotes.

Submission:

Labcorp Genetics (formerly Invitae), Labcorp
Classification: Uncertain significance. Last evaluated: 2022-07-17. Review status: criteria provided, single submitter. Criteria: Invitae Variant Classification Sherloc (09022015). Collection method: clinical testing. Allele origin: germline.
Comment: In summary, the available evidence is currently insufficient to determine the role of this variant in disease. Therefore, it has been classified as a Variant of Uncertain Significance. Algorithms developed to predict the effect of missense changes on protein structure and function output the following: SIFT: "Tolerated"; PolyPhen-2: "Benign"; Align-GVGD: "Class C0". The glutamic acid amino acid residue is found in multiple mammalian species, which suggests that this missense change does not adversely affect protein function. This variant has not been reported in the literature in individuals affected with ALPK3-related conditions. This variant is not present in population databases (gnomAD no frequency). This sequence change replaces glutamine, which is neutral and polar, with glutamic acid, which is acidic and polar, at codon 895 of the ALPK3 protein (p.Gln895Glu).